The following is an entry in ClinVar:

ClinVar aggregate classification (germline): Uncertain significance (1 of 4 stars; one submission).

Allele frequency attached by ClinVar (database versions not stated): gnomAD exomes below 0.00001; TOPMed 0.00001.
gnomAD v4.1: 1 of 1,612,946 alleles (0.000062%); highest among the groups gnomAD compares: Admixed American, 0.0017%; no homozygotes.

Submission:

Labcorp Genetics (formerly Invitae), Labcorp
Classification: Uncertain significance. Last evaluated: 2022-10-07. Review status: criteria provided, single submitter. Criteria: Invitae Variant Classification Sherloc (09022015). Collection method: clinical testing. Allele origin: germline.
Comment: Advanced modeling of protein sequence and biophysical properties (such as structural, functional, and spatial information, amino acid conservation, physicochemical variation, residue mobility, and thermodynamic stability) performed at Invitae indicates that this missense variant is not expected to disrupt ITPR1 protein function. In summary, the available evidence is currently insufficient to determine the role of this variant in disease. Therefore, it has been classified as a Variant of Uncertain Significance. This variant has not been reported in the literature in individuals affected with ITPR1-related conditions. This variant is present in population databases (no rsID available, gnomAD 0.003%). This sequence change replaces tyrosine, which is neutral and polar, with histidine, which is basic and polar, at codon 1157 of the ITPR1 protein (p.Tyr1157His).

NM_001378452.1(ITPR1):c.3541T>C (p.Tyr1181His)

Gene: ITPR1 (inositol 1,4,5-trisphosphate receptor type 1; plus strand). Cytogenetic location: 3p26.1.
Variant type: single nucleotide variant.
Coding change: c.3541T>C on transcript NM_001378452.1 (MANE Select); coding-DNA position 3541, T replaced by C.
Protein change: p.Tyr1181His; replaces tyrosine 1181 with histidine.
Molecular consequence: missense variant.
Genome position (GRCh38, 1-based): chr3:4,684,323, T>C. VCF-style: chr3-4684323-T-C. GRCh37 (hg19) VCF-style: chr3-4726007-T-C.
Other names: c.3514T>C, p.Tyr1172His (NM_001099952.4); c.3496T>C, p.Tyr1166His (NM_001168272.2); c.3469T>C, p.Tyr1157His (NM_002222.7); short protein forms Y1166H, Y1172H, Y1157H, Y1181H.
Identifiers: ClinVar variation 1955993 (VCV001955993.5), dbSNP rs1331059849, ClinGen allele CA351651369.